The following is an entry in ClinVar:

ClinVar aggregate classification (germline): Pathogenic. Review status: reviewed by expert panel (3 of 4 stars). 2 submissions from 2 submitters: Pathogenic (1). 1 of the submissions does not count toward it. Last evaluated 2016-10-18.

Conditions:
Breast-ovarian cancer, familial, susceptibility to, 1 (BROVCA1). Also called: BRCA1 Hereditary Breast and Ovarian Cancer; OVARIAN CANCER, SUSCEPTIBILITY TO. Identifiers: Orphanet 145, MedGen C2676676, MONDO:0011450, OMIM 604370. Disease mechanism: loss of function.

Submissions (2):

Evidence-based Network for the Interpretation of Germline Mutant Alleles (ENIGMA)
Classification: Pathogenic for Breast-ovarian cancer, familial, susceptibility to, 1. Last evaluated: 2016-10-18. Review status: reviewed by expert panel. Criteria: ENIGMA BRCA1/2 Classification Criteria (2015). Collection method: curation. Allele origin: germline.
Comment: Variant allele predicted to encode a truncated non-functional protein.

Consortium of Investigators of Modifiers of BRCA1/2 (CIMBA), c/o University of Cambridge
Classification: Pathogenic for Breast-ovarian cancer, familial, susceptibility to, 1. Last evaluated: 2015-10-02. Review status: criteria provided, single submitter. Criteria: CIMBA Mutation Classification guidelines May 2016. Collection method: clinical testing. Allele origin: germline. Not counted in ClinVar's aggregate classification.

NM_007294.4(BRCA1):c.958del (p.Arg320fs)

Gene: BRCA1 (BRCA1 DNA repair associated; minus strand). Cytogenetic location: 17q21.31.
Variant type: Deletion.
Coding change: c.958del on transcript NM_007294.4 (MANE Select); coding-DNA position 958, one base deleted (A; older notation c.958delA).
Protein change: p.Arg320fs; shifts the reading frame from arginine 320.
Molecular consequence: frameshift variant. On other transcripts: intron variant (137).
Genome position (GRCh38, 1-based): chr17:43,094,573, T deleted on the plus strand (A on the coding strand, the reverse complement: BRCA1 is on the minus strand). VCF-style (leftmost placement, unchanged base first): chr17-43094572-CT-C. GRCh37 (hg19) VCF-style: chr17-41246589-CT-C.
Other names: 1077delA; c.814del, p.Arg272fs (NM_001407841.1, NM_001407842.1, NM_001407843.1 and 20 more transcripts); c.817del, p.Arg273fs (NM_001407850.1, NM_001407851.1, NM_001407852.1 and 29 more transcripts); c.745del, p.Arg249fs (NM_001407853.1, NM_001407894.1, NM_001407895.1 and 9 more transcripts); c.958del, p.Arg320fs (NM_001407854.1, NM_001407858.1, NM_001407859.1 and 30 more transcripts); c.955del, p.Arg319fs (NM_001407860.1, NM_001407861.1, NM_001407587.1 and 22 more transcripts); c.757del, p.Arg253fs (NM_001407862.1); c.835del, p.Arg279fs (NM_001407863.1, NM_001407919.1, NM_001407937.1 and 19 more transcripts); and 42 more; short protein forms R320fs, R273fs, R231fs, R250fs, R279fs, R293fs, R317fs, R192fs.
Identifiers: ClinVar variation 266596 (VCV000266596.6), dbSNP rs886040334, ClinGen allele CA10589978.